The following is an entry in ClinVar:

NM_198576.4(AGRN):c.5484del (p.Asn1828fs)

Gene: AGRN (agrin; plus strand). Cytogenetic location: 1p36.33.
Variant type: Deletion.
Coding change: c.5484del on transcript NM_198576.4 (MANE Select); coding-DNA position 5484, one base deleted (T; older notation c.5484delT).
Protein change: p.Asn1828fs; shifts the reading frame from asparagine 1828.
Molecular consequence: frameshift variant.
Genome position (GRCh38, 1-based): chr1:1,051,566, T deleted. VCF-style (leftmost placement, unchanged base first): chr1-1051565-AT-A. GRCh37 (hg19) VCF-style: chr1-986945-AT-A.
Other names: c.5496del, p.Asn1832fs (NM_001305275.2); c.5181del, p.Asn1727fs (NM_001364727.2); short protein forms N1832fs, N1828fs, N1727fs.
Identifiers: ClinVar variation 4733525 (VCV004733525.1).

ClinVar aggregate classification (germline): Pathogenic (1 of 4 stars; one submission).

Conditions:
Congenital myasthenic syndrome 8. Also called: MYASTHENIC SYNDROME, CONGENITAL, DUE TO AGRIN DEFICIENCY; Myasthenic syndrome, congenital, 8, with pre- and postsynaptic defects. Identifiers: Orphanet 590, MedGen C3808739, MONDO:0014052, OMIM 615120.

Submission:

Labcorp Genetics (formerly Invitae), Labcorp
Classification: Pathogenic for Congenital myasthenic syndrome 8. Last evaluated: 2025-12-17. Review status: criteria provided, single submitter. Criteria: Invitae Variant Classification Sherloc (09022015). Collection method: clinical testing. Allele origin: germline.
Comment: This sequence change creates a premature translational stop signal (p.Asn1828Lysfs*54) in the AGRN gene. It is expected to result in an absent or disrupted protein product. Loss-of-function variants in AGRN are known to be pathogenic (PMID: 24951643, 31730230, 39807604). This variant is not present in population databases (gnomAD no frequency). This variant has not been reported in the literature in individuals affected with AGRN-related conditions. For these reasons, this variant has been classified as Pathogenic.

Literature cited by the submitters: PubMed 24951643; PubMed 31730230; PubMed 39807604.